The following is an entry in ClinVar:

ClinVar aggregate classification (germline): Conflicting classifications of pathogenicity. Review status: criteria provided, conflicting classifications (1 of 4 stars). 3 submissions from 3 submitters: Pathogenic (2); Uncertain significance (1). Last evaluated 2026-06-04.

Conditions:
Oculocutaneous albinism. Identifiers: Orphanet 55, MedGen C0078918, MONDO:0018910.

Submissions (3):

Women's Health and Genetics/Laboratory Corporation of America, LabCorp
Classification: Pathogenic for Oculocutaneous albinism. Last evaluated: 2026-06-04. Review status: criteria provided, single submitter. Criteria: LabCorp Variant Classification Summary - May 2015. Collection method: clinical testing. Allele origin: germline.
Comment: Variant summary: TYR c.827G>A (p.Cys276Tyr) results in a non-conservative amino acid change in the encoded protein sequence. Algorithms developed to predict the effect of missense changes on protein structure and function all suggest that this variant is likely to be disruptive. The frequency data for this variant in gnomAD is considered unreliable, as metrics indicate poor data quality at this position. c.827G>A has been observed in compiund heterozygous state in individuals affected with Oculocutaneous Albinism (Gronskov_2009, Mondal_2012, Ganguly_2020, Wei_2022). These data indicate that the variant is likely to be associated with disease. A different variant affecting the same codon has been classified as likely pathogenic/pathogenic by our lab (c.826T>C, p.Cys276Arg), supporting the critical relevance of codon 276 to TYR protein function. To our knowledge, no experimental evidence demonstrating an impact on protein function has been reported. The following publications have been ascertained in the context of this evaluation (PMID: 32115698, 19060277, 23010199, 34838614). ClinVar contains an entry for this variant (Variation ID: 2735730). Based on the evidence outlined above, the variant was classified as pathogenic.

Labcorp Genetics (formerly Invitae), Labcorp
Classification: Pathogenic. Last evaluated: 2023-10-28. Review status: criteria provided, single submitter. Criteria: Invitae Variant Classification Sherloc (09022015). Collection method: clinical testing. Allele origin: germline.
Comment: This sequence change replaces cysteine, which is neutral and slightly polar, with tyrosine, which is neutral and polar, at codon 276 of the TYR protein (p.Cys276Tyr). This variant is not present in population databases (gnomAD no frequency). This missense change has been observed in individual(s) with clinical features of oculocutaneous albinism (PMID: 19060277, 23010199, 32115698, 34838614). Advanced modeling of protein sequence and biophysical properties (such as structural, functional, and spatial information, amino acid conservation, physicochemical variation, residue mobility, and thermodynamic stability) performed at Invitae indicates that this missense variant is expected to disrupt TYR protein function with a positive predictive value of 80%. For these reasons, this variant has been classified as Pathogenic.

Blueprint Genetics
Classification: Uncertain significance. Last evaluated: 2022-11-24. Review status: criteria provided, single submitter. Criteria: ACMG Guidelines, 2015. Collection method: clinical testing. Allele origin: germline.

Literature cited by the submitters: PubMed 19060277 (cited by Women's Health and Genetics/Laboratory Corporation of America, LabCorp and Labcorp Genetics (formerly Invitae), Labcorp); PubMed 34838614 (cited by Women's Health and Genetics/Laboratory Corporation of America, LabCorp and Labcorp Genetics (formerly Invitae), Labcorp); PubMed 23010199 (cited by Women's Health and Genetics/Laboratory Corporation of America, LabCorp and Labcorp Genetics (formerly Invitae), Labcorp); PubMed 32115698 (cited by Women's Health and Genetics/Laboratory Corporation of America, LabCorp and Labcorp Genetics (formerly Invitae), Labcorp).

NM_000372.5(TYR):c.827G>A (p.Cys276Tyr)

Gene: TYR (tyrosinase; plus strand). Cytogenetic location: 11q14.3.
Variant type: single nucleotide variant.
Coding change: c.827G>A on transcript NM_000372.5 (MANE Select); coding-DNA position 827, G replaced by A.
Protein change: p.Cys276Tyr; replaces cysteine 276 with tyrosine.
Molecular consequence: missense variant.
Genome position (GRCh38, 1-based): chr11:89,191,209, G>A. VCF-style: chr11-89191209-G-A. GRCh37 (hg19) VCF-style: chr11-88924377-G-A.
Other names: short protein forms C276Y.
Identifiers: ClinVar variation 2735730 (VCV002735730.5), dbSNP rs750027827, ClinGen allele CA382035689.